The following is an entry in ClinVar:

ClinVar aggregate classification (germline): Uncertain significance. Review status: criteria provided, multiple submitters, no conflicts (2 of 4 stars). 2 submissions from 2 submitters: Uncertain significance (2). Last evaluated 2025-10-06.

Conditions:
Inborn genetic diseases. Identifiers: MedGen C0950123, MeSH D030342.
Dyskeratosis congenita, autosomal dominant 6 (DKCA6). Identifiers: Orphanet 3322, MedGen C4225284, MONDO:0014690, OMIM 616553.

Submissions (2):

Labcorp Genetics (formerly Invitae), Labcorp
Classification: Uncertain significance for Dyskeratosis congenita, autosomal dominant 6. Last evaluated: 2025-10-06. Review status: criteria provided, single submitter. Criteria: Invitae Variant Classification Sherloc (09022015). Collection method: clinical testing. Allele origin: germline.
Comment: This sequence change replaces glycine, which is neutral and non-polar, with arginine, which is basic and polar, at codon 32 of the ACD protein (p.Gly32Arg). This variant is present in population databases (rs761628896, gnomAD 0.005%). This variant has not been reported in the literature in individuals affected with ACD-related conditions. ClinVar contains an entry for this variant (Variation ID: 1433179). An algorithm developed to predict the effect of missense changes on protein structure and function outputs the following: PolyPhen-2: "Benign". The arginine amino acid residue is found in multiple mammalian species, which suggests that this missense change does not adversely affect protein function. In summary, the available evidence is currently insufficient to determine the role of this variant in disease. Therefore, it has been classified as a Variant of Uncertain Significance.

Ambry Genetics
Classification: Uncertain significance for Inborn genetic diseases. Last evaluated: 2021-11-24. Review status: criteria provided, single submitter. Criteria: Ambry Variant Classification Scheme 2023. Collection method: clinical testing. Allele origin: germline.
Comment: The p.G32R variant (also known as c.94G>C), located in coding exon 1 of the ACD gene, results from a G to C substitution at nucleotide position 94. The glycine at codon 32 is replaced by arginine, an amino acid with dissimilar properties. This amino acid position is conserved. In addition, this alteration is predicted to be tolerated by in silico analysis. Since supporting evidence is limited at this time, the clinical significance of this alteration remains unclear.

NC_000016.10:g.67660385C>G

Genes: ACD (ACD shelterin complex subunit and telomerase recruitment factor; minus strand), LOC130059224 (ATAC-STARR-seq lymphoblastoid silent region 7617; plus strand). Cytogenetic location: 16q22.1.
Variant type: single nucleotide variant.
Genome position: GRCh38 VCF-style: chr16-67660385-C-G. GRCh37 (hg19) VCF-style: chr16-67694288-C-G.
Other names: short protein forms G32R.
Identifiers: ClinVar variation 1433179 (VCV001433179.7), dbSNP rs761628896, ClinGen allele CA8114917.